The following is an entry in ClinVar:

ClinVar aggregate classification (germline): Uncertain significance (1 of 4 stars; one submission).

Submission:

Ambry Genetics
Classification: Uncertain significance. Last evaluated: 2026-03-15. Review status: criteria provided, single submitter. Criteria: Ambry Variant Classification Scheme 2023. Collection method: clinical testing. Allele origin: germline.
Comment: The p.K645M variant (also known as c.1934A>T), located in coding exon 19 of the KIF1B gene, results from an A to T substitution at nucleotide position 1934. The lysine at codon 645 is replaced by methionine, an amino acid with similar properties. This amino acid position is conserved. In addition, the in silico prediction for this alteration is inconclusive. Based on the available evidence, the clinical significance of this variant remains unclear.

NM_001365951.3(KIF1B):c.2072A>T (p.Lys691Met)

Gene: KIF1B (kinesin family member 1B; plus strand). Cytogenetic location: 1p36.22.
Variant type: single nucleotide variant.
Coding change: c.2072A>T on transcript NM_001365951.3 (MANE Select); coding-DNA position 2072, A replaced by T.
Protein change: p.Lys691Met; replaces lysine 691 with methionine.
Molecular consequence: missense variant.
Genome position (GRCh38, 1-based): chr1:10,297,203, A>T. VCF-style: chr1-10297203-A-T. GRCh37 (hg19) VCF-style: chr1-10357261-A-T.
Other names: c.2072A>T, p.Lys691Met (NM_001365952.1); c.1934A>T, p.Lys645Met (NM_001365953.1, NM_015074.3, NM_183416.4); short protein forms K645M, K691M.
Identifiers: ClinVar variation 4858816 (VCV004858816.1).